The following is an entry in ClinVar:

ClinVar aggregate classification (germline): Conflicting classifications of pathogenicity. Review status: criteria provided, conflicting classifications (1 of 4 stars). 2 submissions from 2 submitters: Uncertain significance (1); Likely benign (1). Last evaluated 2024-05-14.

Conditions:
Familial cancer of breast. Also called: BREAST CANCER, FAMILIAL; Hereditary breast cancer; hereditary breast carcinoma. Identifiers: Orphanet 227535, MedGen C0346153, MONDO:0016419, OMIM 114480. Disease mechanism: loss of function.
Hereditary cancer-predisposing syndrome. Also called: Neoplastic Syndromes, Hereditary; Tumor predisposition; Hereditary neoplastic syndrome; Hereditary Cancer Syndrome. Identifiers: Orphanet 140162, MedGen C0027672, MeSH D009386, MONDO:0015356.

Allele frequency attached by ClinVar (database versions not stated): gnomAD exomes below 0.00001; ExAC 0.00001.

Submissions (2):

Ambry Genetics
Classification: Likely benign for Hereditary cancer-predisposing syndrome. Last evaluated: 2024-05-14. Review status: criteria provided, single submitter. Criteria: Ambry Variant Classification Scheme 2023. Collection method: clinical testing. Allele origin: germline.

Labcorp Genetics (formerly Invitae), Labcorp
Classification: Uncertain significance for Familial cancer of breast. Last evaluated: 2022-10-15. Review status: criteria provided, single submitter. Criteria: Invitae Variant Classification Sherloc (09022015). Collection method: clinical testing. Allele origin: germline.
Comment: This sequence change replaces glutamic acid, which is acidic and polar, with glutamine, which is neutral and polar, at codon 12 of the PALB2 protein (p.Glu12Gln). In summary, the available evidence is currently insufficient to determine the role of this variant in disease. Therefore, it has been classified as a Variant of Uncertain Significance. Algorithms developed to predict the effect of sequence changes on RNA splicing suggest that this variant may disrupt the consensus splice site. Algorithms developed to predict the effect of missense changes on protein structure and function are either unavailable or do not agree on the potential impact of this missense change (SIFT: "Tolerated"; PolyPhen-2: "Possibly Damaging"; Align-GVGD: "Class C0"). ClinVar contains an entry for this variant (Variation ID: 823856). This variant has not been reported in the literature in individuals affected with PALB2-related conditions. This variant is present in population databases (rs765520187, gnomAD 0.0009%).

NM_024675.4(PALB2):c.34G>C (p.Glu12Gln)

Gene: PALB2 (partner and localizer of BRCA2; minus strand). Cytogenetic location: 16p12.2.
Variant type: single nucleotide variant.
Coding change: c.34G>C on transcript NM_024675.4 (MANE Select); coding-DNA position 34, G replaced by C.
Protein change: p.Glu12Gln; replaces glutamic acid 12 with glutamine.
Molecular consequence: missense variant.
Genome position (GRCh38, 1-based): chr16:23,641,124, C>G on the plus strand (G>C on the coding strand, the complement: PALB2 is on the minus strand). VCF-style: chr16-23641124-C-G. GRCh37 (hg19) VCF-style: chr16-23652445-C-G.
Other names: short protein forms E12Q.
Identifiers: ClinVar variation 823856 (VCV000823856.8), dbSNP rs765520187, ClinGen allele CA7963887.